The following is an entry in ClinVar:

ClinVar aggregate classification (germline): Benign. Review status: criteria provided, multiple submitters, no conflicts (2 of 4 stars). 9 submissions from 9 submitters: Benign (7). 2 of the submissions do not count toward it. Last evaluated 2026-02-04.

Conditions:
Autosomal recessive nonsyndromic hearing loss 28. Identifiers: Orphanet 90636, MedGen C1853276, MONDO:0012355, OMIM 609823.

Allele frequency attached by ClinVar (database versions not stated): gnomAD exomes 0.95728 and 0.96578; 1000 Genomes Project 0.98263; ESP Exome Variant Server 0.96474; ExAC 0.96530; gnomAD 0.96815 and 0.96893; TOPMed 0.96868; 1000 Genomes Project 30x 0.98235.
gnomAD v4.1: 1,545,962 of 1,612,998 alleles (96%); highest among the groups gnomAD compares: East Asian, 100%; 741,157 homozygotes.

Submissions (9):

Labcorp Genetics (formerly Invitae), Labcorp
Classification: Benign. Last evaluated: 2026-02-04. Review status: criteria provided, single submitter. Criteria: Invitae Variant Classification Sherloc (09022015). Collection method: clinical testing. Allele origin: germline.

Genome-Nilou Lab
Classification: Benign for Autosomal recessive nonsyndromic hearing loss 28. Last evaluated: 2021-09-10. Review status: criteria provided, single submitter. Criteria: ACMG Guidelines, 2015. Collection method: clinical testing. Allele origin: germline. Affected: no.

Mayo Clinic Laboratories, Mayo Clinic
Classification: Benign. Last evaluated: 2020-07-01. Review status: criteria provided, single submitter. Criteria: ACMG Guidelines, 2015. Collection method: clinical testing. Allele origin: germline. Observed: 159 variant alleles.

GeneDx
Classification: Benign. Last evaluated: 2017-05-09. Review status: criteria provided, single submitter. Criteria: GeneDx Variant Classification (06012015). Collection method: clinical testing. Allele origin: germline. Affected: yes.
Comment: This variant is considered likely benign or benign based on one or more of the following criteria: it is a conservative change, it occurs at a poorly conserved position in the protein, it is predicted to be benign by multiple in silico algorithms, and/or has population frequency not consistent with disease.

Laboratory for Molecular Medicine, Mass General Brigham Personalized Medicine
Classification: Benign. Last evaluated: 2012-05-07. Review status: criteria provided, single submitter. Criteria: LMM Criteria. Collection method: clinical testing. Allele origin: germline. Observed: 1,636 variant alleles.
Comment: Trp1377Arg in Exon 09 of TRIOBP: This variant is not expected to have clinical s ignificance because it has been identified in 4.7% (311/6656) of European Americ an chromosomes from a broad population by the NHLBI Exome Sequencing Project (dbSNP rs8140958).

Breakthrough Genomics
Classification: Benign. Review status: criteria provided, single submitter. Criteria: ACMG Guidelines, 2015. Collection method: not provided. Allele origin: germline. Inheritance: Autosomal recessive inheritance. Affected: yes.

PreventionGenetics, part of Exact Sciences
Classification: Benign. Review status: criteria provided, single submitter. Criteria: ACMG Guidelines, 2015. Collection method: clinical testing. Allele origin: germline.

Diagnostic Laboratory, Department of Genetics, University Medical Center Groningen
Classification: Benign. Review status: no assertion criteria provided. Collection method: clinical testing. Allele origin: germline. Affected: yes. Study: VKGL Data-share Consensus. Not counted in ClinVar's aggregate classification.

Joint Genome Diagnostic Labs from Nijmegen and Maastricht, Radboudumc and MUMC+
Classification: Benign. Review status: no assertion criteria provided. Collection method: clinical testing. Allele origin: germline. Affected: yes. Study: VKGL Data-share Consensus. Not counted in ClinVar's aggregate classification.

NM_001039141.3(TRIOBP):c.4129T>C (p.Trp1377Arg)

Gene: TRIOBP (TRIO and F-actin binding protein; plus strand). Cytogenetic location: 22q13.1.
Variant type: single nucleotide variant.
Coding change: c.4129T>C on transcript NM_001039141.3 (MANE Select); coding-DNA position 4129, T replaced by C.
Protein change: p.Trp1377Arg; replaces tryptophan 1377 with arginine.
Molecular consequence: missense variant.
Genome position (GRCh38, 1-based): chr22:37,734,465, T>C. VCF-style: chr22-37734465-T-C. GRCh37 (hg19) VCF-style: chr22-38130472-T-C.
Other names: short protein forms W1377R.
Identifiers: ClinVar variation 43855 (VCV000043855.23), dbSNP rs8140958, ClinGen allele CA133034.